The following is an entry in ClinVar:

ClinVar aggregate classification (germline): Pathogenic. Review status: criteria provided, multiple submitters, no conflicts (2 of 4 stars). 6 submissions from 6 submitters: Pathogenic (5). 1 of the submissions does not count toward it. Last evaluated 2025-06-29.

Conditions:
MYO7A-related disorder. Also called: MYO7A-related disorders.
Usher syndrome. Also called: Usher Syndromes; Usher's syndrome. Identifiers: Orphanet 886, MedGen CN469326, MeSH D052245, MONDO:0019501. Disease mechanism: loss of function.
Rare genetic deafness. Identifiers: Orphanet 96210, MedGen C5680250.
Autosomal recessive nonsyndromic hearing loss 2. Also called: DEAFNESS, AUTOSOMAL RECESSIVE 2; NEUROSENSORY NONSYNDROMIC RECESSIVE DEAFNESS 2. Identifiers: Orphanet 90636, MedGen C1838701, MONDO:0010807, OMIM 600060.
Usher syndrome type 1 (USH1). Also called: RETINITIS PIGMENTOSA AND CONGENITAL DEAFNESS. Identifiers: Orphanet 231169, Orphanet 886, MedGen C1568247, MONDO:0010168, OMIM 276900.
Usher syndrome type 1B (USH1B). Also called: Usher syndrome type IB. Identifiers: MedGen C1848638, MONDO:0700087.

Allele frequency attached by ClinVar (database versions not stated): TOPMed below 0.00001; ExAC 0.00002.
gnomAD v4.1: 17 of 1,612,182 alleles (0.0011%); highest among the groups gnomAD compares: Admixed American, 0.0017%; no homozygotes.

Submissions (6):

Labcorp Genetics (formerly Invitae), Labcorp
Classification: Pathogenic. Last evaluated: 2025-06-29. Review status: criteria provided, single submitter. Criteria: Invitae Variant Classification Sherloc (09022015). Collection method: clinical testing. Allele origin: germline.
Comment: This sequence change replaces glycine, which is neutral and non-polar, with arginine, which is basic and polar, at codon 25 of the MYO7A protein (p.Gly25Arg). This variant is present in population databases (rs782252317, gnomAD 0.002%). This missense change has been observed in individual(s) with Usher syndrome (PMID: 15660226, 22135276, 25080338). In at least one individual the data is consistent with being in trans (on the opposite chromosome) from a pathogenic variant. It has also been observed to segregate with disease in related individuals. ClinVar contains an entry for this variant (Variation ID: 177722). Invitae Evidence Modeling of protein sequence and biophysical properties (such as structural, functional, and spatial information, amino acid conservation, physicochemical variation, residue mobility, and thermodynamic stability) indicates that this missense variant is expected to disrupt MYO7A protein function with a positive predictive value of 95%. Experimental studies have shown that this missense change affects MYO7A function (PMID: 18700726). For these reasons, this variant has been classified as Pathogenic.

Natera, Inc.
Classification: Pathogenic for Usher syndrome type 1B. Last evaluated: 2025-04-20. Review status: criteria provided, single submitter. Criteria: Natera Variant Classification Schema (03/2026). Collection method: clinical testing. Allele origin: germline.
Comment: The c.73G>A variant in MYO7A is a missense variant predicted to cause substitution of glycine to arginine at amino acid 25. This variant is rare in the general population with a frequency below the threshold expected for the associated phenotype(s). This variant has been observed in one or more individuals affected with the associated recessive disease, as either homozygous or compound heterozygous with a second variant (PMID: 27460420). Given the available evidence, this variant is classified as Pathogenic.

Blueprint Genetics
Classification: Pathogenic for MYO7A-related disorders. Last evaluated: 2024-04-19. Review status: criteria provided, single submitter. Criteria: ACMG Guidelines, 2015. Collection method: clinical testing. Allele origin: germline. Affected: yes. Observed: 4 variant alleles.

Women's Health and Genetics/Laboratory Corporation of America, LabCorp
Classification: Pathogenic for Usher syndrome. Last evaluated: 2023-08-10. Review status: criteria provided, single submitter. Criteria: LabCorp Variant Classification Summary - May 2015. Collection method: clinical testing. Allele origin: germline.
Comment: Variant summary: MYO7A c.73G>A (p.Gly25Arg) results in a non-conservative amino acid change located in the Motor domain (1-729) of the encoded protein sequence. Five of five in-silico tools predict a damaging effect of the variant on protein function. The variant allele was found at a frequency of 8.2e-06 in 244894 control chromosomes. c.73G>A has been reported in the literature as biallelic homozygous or compound heterozygous genotypes in multiple individuals affected with Usher Syndrome (example, Ouyang_2005, Lenarduzzi_2015, Bonnet_2016, Bahena_2022). These data indicate that the variant is very likely to be associated with disease. At least one publication reports experimental evidence evaluating an impact on protein function (Watanabe_2008). The most pronounced variant effect results in completely abolishment of the actin-translocating activity and the actin activated-ATPase activity in-vitro. The following publications have been ascertained in the context of this evaluation (PMID: 34148116, 27460420, 25575603, 15660226, 18700726). Five submitters have cited clinical-significance assessments for this variant to ClinVar after 2014. All submitters classified the variant as pathogenic/likely pathogenic. Based on the evidence outlined above, the variant was classified as pathogenic.

Laboratory for Molecular Medicine, Mass General Brigham Personalized Medicine
Classification: Pathogenic for Rare genetic deafness. Last evaluated: 2016-06-23. Review status: criteria provided, single submitter. Criteria: LMM Criteria. Collection method: clinical testing. Allele origin: germline. Inheritance: Autosomal recessive inheritance. Observed: 2 variant alleles.
Comment: The p.Gly25Arg variant in MYO7A has now been identified in the compound heterozy gous state in six individuals with clinical features of Usher syndrome type I a nd segregated with disease in two affected siblings in one family (Liu 1997, Lev y 1997, Le Quesne Stabej 2012, Gao 2014, Lenarduzzi 2015, LMM data). It has been identified in 2/55510 European chromosomes by the Exome Aggregation Consortium (ExAC). Although this variant has been identifie d in the general population, its frequency is low enough to be consistent with t he carrier frequency. In summary, this variant meets our criteria to be classifi ed as pathogenic for autosomal recessive Usher syndrome.

Counsyl
Classification: Likely pathogenic for Usher syndrome type 1; Autosomal recessive nonsyndromic hearing loss 2. Last evaluated: 2018-05-14. Review status: no assertion criteria provided. Collection method: clinical testing. Allele origin: unknown. Not counted in ClinVar's aggregate classification.

Literature cited by the submitters: PubMed 15660226 (cited by Labcorp Genetics (formerly Invitae), Labcorp and Women's Health and Genetics/Laboratory Corporation of America, LabCorp); PubMed 22135276 (cited by 3 submitters); PubMed 25080338 (cited by 3 submitters); PubMed 18700726 (cited by 3 submitters); PubMed 27460420 (cited by 3 submitters); PubMed 25575603 (cited by 3 submitters); PubMed 34148116 (cited by Women's Health and Genetics/Laboratory Corporation of America, LabCorp); PubMed 9259201 (cited by Laboratory for Molecular Medicine, Mass General Brigham Personalized Medicine); PubMed 9002678 (cited by Laboratory for Molecular Medicine, Mass General Brigham Personalized Medicine and Counsyl); PubMed 16963483 (cited by Laboratory for Molecular Medicine, Mass General Brigham Personalized Medicine).

NM_000260.4(MYO7A):c.73G>A (p.Gly25Arg)

Gene: MYO7A (myosin VIIA; plus strand). Cytogenetic location: 11q13.5.
Variant type: single nucleotide variant.
Coding change: c.73G>A on transcript NM_000260.4 (MANE Select); coding-DNA position 73, G replaced by A.
Protein change: p.Gly25Arg; replaces glycine 25 with arginine.
Molecular consequence: missense variant.
Genome position (GRCh38, 1-based): chr11:77,142,763, G>A. VCF-style: chr11-77142763-G-A. GRCh37 (hg19) VCF-style: chr11-76853809-G-A.
Other names: c.73G>A, p.Gly25Arg (NM_001127180.2); c.40G>A, p.Gly14Arg (NM_001369365.1); short protein forms G25R, G14R.
Identifiers: ClinVar variation 177722 (VCV000177722.18), dbSNP rs782252317, ClinGen allele CA278727.